The following is an entry in ClinVar:

ClinVar aggregate classification (germline): Likely benign (0 of 4 stars; one submission).

Conditions:
NRXN3-related disorder. Also called: NRXN3-related condition.

Allele frequency attached by ClinVar (database versions not stated): TOPMed 0.00002; gnomAD 0.00003; gnomAD exomes 0.00003.
gnomAD v4.1: 41 of 1,546,110 alleles (0.0027%); highest among the groups gnomAD compares: Non-Finnish European, 0.0033%; no homozygotes.

Submission:

PreventionGenetics, part of Exact Sciences
Classification: Likely benign for NRXN3-related condition. Last evaluated: 2019-03-01. Review status: no assertion criteria provided. Collection method: clinical testing. Allele origin: germline.
Comment: This variant is classified as likely benign based on ACMG/AMP sequence variant interpretation guidelines (Richards et al. 2015 PMID: 25741868, with internal and published modifications).

NM_001330195.2(NRXN3):c.51G>A (p.Leu17=)

Gene: NRXN3 (neurexin 3; plus strand). Cytogenetic location: 14q24.3.
Variant type: single nucleotide variant.
Coding change: c.51G>A on transcript NM_001330195.2 (MANE Select); coding-DNA position 51, G replaced by A.
Protein change: p.Leu17=; no amino-acid change (leucine 17 retained).
Molecular consequence: synonymous variant. On other transcripts: non-coding transcript variant (4).
Genome position (GRCh38, 1-based): chr14:78,243,144, G>A. VCF-style: chr14-78243144-G-A. GRCh37 (hg19) VCF-style: chr14-78709487-G-A.
Other names: c.51G>A, p.Leu17= (NM_001366425.1, NM_001366426.1).
Identifiers: ClinVar variation 3047705 (VCV003047705.2), dbSNP rs1034245105, ClinGen allele CA264069391.